The following is an entry in ClinVar:

NM_014915.3(ANKRD26):c.4347G>C (p.Lys1449Asn)

Gene: ANKRD26 (ankyrin repeat domain containing 26; minus strand). Cytogenetic location: 10p12.1.
Variant type: single nucleotide variant.
Coding change: c.4347G>C on transcript NM_014915.3 (MANE Select); coding-DNA position 4347, G replaced by C.
Protein change: p.Lys1449Asn; replaces lysine 1449 with asparagine.
Molecular consequence: missense variant.
Genome position (GRCh38, 1-based): chr10:27,017,661, C>G on the plus strand (G>C on the coding strand, the complement: ANKRD26 is on the minus strand). VCF-style: chr10-27017661-C-G. GRCh37 (hg19) VCF-style: chr10-27306590-C-G.
Other names: c.4344G>C, p.Lys1448Asn (NM_001256053.2); short protein forms K1448N, K1449N.
Identifiers: ClinVar variation 3913750 (VCV003913750.1).

ClinVar aggregate classification (germline): Uncertain significance (1 of 4 stars; one submission).

Conditions:
Inborn genetic diseases. Identifiers: MedGen C0950123, MeSH D030342.

Submission:

Ambry Genetics
Classification: Uncertain significance for Inborn genetic diseases. Last evaluated: 2025-04-17. Review status: criteria provided, single submitter. Criteria: Ambry Variant Classification Scheme 2023. Collection method: clinical testing. Allele origin: germline.
Comment: The p.K1449N variant (also known as c.4347G>C), located in coding exon 30 of the ANKRD26 gene, results from a G to C substitution at nucleotide position 4347. The lysine at codon 1449 is replaced by asparagine, an amino acid with similar properties. This amino acid position is conserved. In addition, this alteration is predicted to be tolerated by in silico analysis. Based on the available evidence, the clinical significance of this variant remains unclear.